The following is an entry in ClinVar:

NM_001077365.2(POMT1):c.691_692del (p.Leu231fs)

Gene: POMT1 (protein O-mannosyltransferase 1; plus strand). Cytogenetic location: 9q34.13.
Variant type: Deletion.
Coding change: c.691_692del on transcript NM_001077365.2 (MANE Select); coding-DNA positions 691 to 692, 2 bases deleted (TT; older notation c.691_692delTT).
Protein change: p.Leu231fs; shifts the reading frame from leucine 231.
Molecular consequence: frameshift variant. On other transcripts: 5 prime UTR variant (1), non-coding transcript variant (10).
Genome position (GRCh38, 1-based): chr9:131,509,988-131,509,989, TT deleted; deleting any 2 consecutive bases within chr9:131,509,987-131,509,989 gives the same sequence; the c. name uses the placement nearest the transcript's 3' end. VCF-style (leftmost placement, unchanged base first): chr9-131509986-CTT-C. GRCh37 (hg19) VCF-style: chr9-134385373-CTT-C.
Other names: c.340_341del, p.Leu114fs (NM_001353195.2, NM_001353199.2, NM_001374691.1 and 2 more transcripts); c.601_602del, p.Leu201fs (NM_001353196.2); c.529_530del, p.Leu177fs (NM_001353197.2, NM_001353198.2, NM_001374689.1 and 3 more transcripts); c.235_236del, p.Leu79fs (NM_001353200.2, NM_001374695.1); c.691_692del, p.Leu231fs (NM_001374690.1, NM_007171.4, NM_001136113.2 and 1 more transcripts); c.-446_-445del (NM_001411024.1); short protein forms L177fs, L201fs, L231fs, L79fs, L114fs.
Identifiers: ClinVar variation 4792993 (VCV004792993.1).

ClinVar aggregate classification (germline): Pathogenic (1 of 4 stars; one submission).

Conditions:
Walker-Warburg congenital muscular dystrophy. Also called: Muscular dystrophy-dystroglycanopathy, type A; Walker-Warburg syndrome. Identifiers: Orphanet 899, MedGen C0265221, MONDO:0000171.
Muscular dystrophy-dystroglycanopathy (congenital with impaired intellectual development), type B, 1. Also called: MUSCULAR DYSTROPHY, CONGENITAL, POMT1-RELATED; Muscular dystrophy-dystroglycanopathy (congenital with intellectual disability), type B1. Identifiers: MedGen C5436962, MONDO:0013159, OMIM 613155.
Autosomal recessive limb-girdle muscular dystrophy type 2K. Also called: MUSCULAR DYSTROPHY-DYSTROGLYCANOPATHY (LIMB-GIRDLE), TYPE C, 1; MUSCULAR DYSTROPHY, LIMB-GIRDLE, TYPE 2K. Identifiers: Orphanet 86812, MedGen C1836373, MONDO:0012248, OMIM 609308.

Submission:

Labcorp Genetics (formerly Invitae), Labcorp
Classification: Pathogenic for Muscular dystrophy-dystroglycanopathy (congenital with impaired intellectual development), type B, 1; Walker-Warburg congenital muscular dystrophy; Autosomal recessive limb-girdle muscular dystrophy type 2K. Last evaluated: 2025-12-30. Review status: criteria provided, single submitter. Criteria: Invitae Variant Classification Sherloc (09022015). Collection method: clinical testing. Allele origin: germline.
Comment: This sequence change creates a premature translational stop signal (p.Leu231Valfs*6) in the POMT1 gene. It is expected to result in an absent or disrupted protein product. Loss-of-function variants in POMT1 are known to be pathogenic (PMID: 12369018, 15637732, 16575835). This variant is not present in population databases (gnomAD no frequency). This variant has not been reported in the literature in individuals affected with POMT1-related conditions. For these reasons, this variant has been classified as Pathogenic.

Literature cited by the submitters: PubMed 12369018; PubMed 15637732; PubMed 16575835.